The following is an entry in ClinVar:

ClinVar aggregate classification (germline): Uncertain significance. Review status: criteria provided, multiple submitters, no conflicts (2 of 4 stars). 2 submissions from 2 submitters: Uncertain significance (2). Last evaluated 2023-06-27.

Conditions:
Fabry disease. Also called: Fabry's disease; ALPHA-GALACTOSIDASE A DEFICIENCY; ANDERSON-FABRY DISEASE; CERAMIDE TRIHEXOSIDASE DEFICIENCY; GLA DEFICIENCY; HEREDITARY DYSTOPIC LIPIDOSIS. Identifiers: Orphanet 324, MedGen C0002986, MONDO:0010526, OMIM 301500, HP:0001071. Disease mechanism: Fabry disease is due to inactivating mutations in the X-linked GLA gene resulting in deficiency of the enzyme Alpha Galactosidase-A., loss of function.

Allele frequency attached by ClinVar (database versions not stated): gnomAD exomes below 0.00001.
gnomAD v4.1: 1 of 1,210,412 alleles (0.000083%); highest among the groups gnomAD compares: Non-Finnish European, 0.00011%; no homozygotes.

Submissions (2):

All of Us Research Program, National Institutes of Health
Classification: Uncertain significance for Fabry disease. Last evaluated: 2023-06-27. Review status: criteria provided, single submitter. Criteria: ACMG Guidelines, 2015. Collection method: clinical testing. Allele origin: germline. Inheritance: X-linked inheritance. Observed: 1 variant allele, 1 homozygote.
Comment: This study involves interpretation of variants in research participants for the purpose of population health screening. Participant phenotype was not available at the time of variant classification. Additional details can be found in publication PMID: 35346344, PMCID: PMC8962531

Labcorp Genetics (formerly Invitae), Labcorp
Classification: Uncertain significance for Fabry disease. Last evaluated: 2023-06-02. Review status: criteria provided, single submitter. Criteria: Invitae Variant Classification Sherloc (09022015). Collection method: clinical testing. Allele origin: germline.
Comment: In summary, the available evidence is currently insufficient to determine the role of this variant in disease. Therefore, it has been classified as a Variant of Uncertain Significance. Advanced modeling of protein sequence and biophysical properties (such as structural, functional, and spatial information, amino acid conservation, physicochemical variation, residue mobility, and thermodynamic stability) performed at Invitae indicates that this missense variant is not expected to disrupt GLA protein function. This variant has not been reported in the literature in individuals affected with GLA-related conditions. This variant is not present in population databases (gnomAD no frequency). This sequence change replaces glutamic acid, which is acidic and polar, with glycine, which is neutral and non-polar, at codon 251 of the GLA protein (p.Glu251Gly).

NM_000169.3(GLA):c.752A>G (p.Glu251Gly)

Genes: GLA (galactosidase alpha; minus strand), RPL36A-HNRNPH2 (RPL36A-HNRNPH2 readthrough; plus strand). Cytogenetic location: Xq22.1.
Variant type: single nucleotide variant.
Coding change: c.752A>G on transcript NM_000169.3 (MANE Select); coding-DNA position 752, A replaced by G.
Protein change: p.Glu251Gly; replaces glutamic acid 251 with glycine.
Molecular consequence: missense variant. On other transcripts: non-coding transcript variant (3), intron variant (2).
Genome position (GRCh38, 1-based): chrX:101,398,834, T>C on the plus strand (A>G on the coding strand, the complement: GLA is on the minus strand). VCF-style: chrX-101398834-T-C. GRCh37 (hg19) VCF-style: chrX-100653822-T-C.
Other names: c.875A>G, p.Glu292Gly (NM_001406747.1); c.752A>G, p.Glu251Gly (NM_001406748.1); c.300+3377T>C (NM_001199973.2); c.177+7012T>C (NM_001199974.2); short protein forms E251G, E292G.
Identifiers: ClinVar variation 2757207 (VCV002757207.4), dbSNP rs2520869715, ClinGen allele CA413924191.
Genomic context (GRCh38, chrX:101,398,834, plus strand): 5'-CAAGTTTTTACCATATCTGGGTCATTCCAACCCCCTGGTCCAGCAACATCAACAATTCTC[T>C]CCTGGTTAAAAGATGTCCAGTCCAAGATACTCTTTATACTTTTCCAGGAATCATCAATGT-3'
Protein context (NP_000160.1, residues 241-261): SILDWTSFNQ[Glu251Gly]RIVDVAGPGG